The following is an entry in ClinVar:

NM_000091.5(COL4A3):c.1504+2T>C

Genes: COL4A3 (collagen type IV alpha 3 chain; plus strand), MFF-DT (MFF divergent transcript; minus strand). Cytogenetic location: 2q36.3.
Variant type: single nucleotide variant.
Coding change: c.1504+2T>C on transcript NM_000091.5 (MANE Select); the canonical splice donor site of the intron after coding-DNA position 1504, T replaced by C.
Molecular consequence: splice donor variant.
Genome position (GRCh38, 1-based): chr2:227,267,090, T>C. VCF-style: chr2-227267090-T-C. GRCh37 (hg19) VCF-style: chr2-228131806-T-C.
Identifiers: ClinVar variation 4064928 (VCV004064928.2).

ClinVar aggregate classification (germline): Likely pathogenic (1 of 4 stars; one submission).

Conditions:
Alport syndrome. Also called: Hemorrhagic familial nephritis; Hemorrhagic hereditary nephritis; Congenital hereditary hematuria. Identifiers: Orphanet 63, MedGen C1567741, MONDO:0018965.

Submission:

Natera, Inc.
Classification: Likely pathogenic for Alport syndrome. Last evaluated: 2025-05-05. Review status: criteria provided, single submitter. Criteria: Natera Variant Classification Schema (03/2026). Collection method: clinical testing. Allele origin: germline.
Comment: The c.1504+2T>C variant in COL4A3 is a canonical splice donor site variant predicted to affect pre-mRNA splicing, which may result in an abnormal transcript and altered protein product. This variant is expected to result in nonsense mediated decay, truncation, or a dysfunctional protein product. This variant is rare in the general population with a frequency below the threshold expected for the associated phenotype(s). Given the available evidence, this variant is classified as Likely Pathogenic.